The following is an entry in ClinVar:

ClinVar aggregate classification (germline): Pathogenic/Likely pathogenic. Review status: criteria provided, multiple submitters, no conflicts (2 of 4 stars). 4 submissions from 4 submitters: Pathogenic (3); Likely pathogenic (1). Last evaluated 2025-09-24.

Conditions:
Nemaline myopathy 2 (NEM2). Also called: Nemaline myopathy 2, autosomal recessive. Identifiers: MedGen C1850569, MONDO:0009725, OMIM 256030.
Nemaline myopathy. Also called: Myopathies, Nemaline. Identifiers: Orphanet 607, MedGen C0206157, MONDO:0018958.

Allele frequency attached by ClinVar (database versions not stated): ExAC 0.00001.

Submissions (4):

Genesolutions, Medical Genetics Institutes, Ho Chi Minh City, Vietnam
Classification: Pathogenic for Nemaline myopathy 2. Last evaluated: 2025-09-24. Review status: criteria provided, single submitter. Criteria: ACMG Guidelines, 2015. Collection method: clinical testing. Allele origin: germline. Affected: yes.

Labcorp Genetics (formerly Invitae), Labcorp
Classification: Pathogenic for Nemaline myopathy 2. Last evaluated: 2023-12-11. Review status: criteria provided, single submitter. Criteria: Invitae Variant Classification Sherloc (09022015). Collection method: clinical testing. Allele origin: germline.
Comment: This sequence change creates a premature translational stop signal (p.Lys6507*) in the NEB gene. It is expected to result in an absent or disrupted protein product. Loss-of-function variants in NEB are known to be pathogenic (PMID: 25205138). This variant is present in population databases (rs781090555, gnomAD 0.006%). This variant has not been reported in the literature in individuals affected with NEB-related conditions. ClinVar contains an entry for this variant (Variation ID: 2503969). For these reasons, this variant has been classified as Pathogenic.

Myriad Genetics, Inc.
Classification: Pathogenic for Nemaline myopathy 2. Last evaluated: 2023-09-09. Review status: criteria provided, single submitter. Criteria: Myriad Autosomal Dominant, Autosomal Recessive and X-Linked Classification Criteria (2023). Collection method: clinical testing. Allele origin: unknown.
Comment: NM_001271208.1(NEB):c.19519A>T(K6507*) is expected to be pathogenic in the context of NEB-related nemaline myopathy. This variant is predicted to lead to an abnormal or absent protein product due to the creation of a premature termination codon in NEB, a gene where loss-of-function variants are known to be pathogenic. Please note: this variant was assessed in the context of healthy population screening.

Women's Health and Genetics/Laboratory Corporation of America, LabCorp
Classification: Likely pathogenic for Nemaline myopathy. Last evaluated: 2023-04-04. Review status: criteria provided, single submitter. Criteria: LabCorp Variant Classification Summary - May 2015. Collection method: clinical testing. Allele origin: germline.
Comment: Variant summary: NEB c.19519A>T (p.Lys6507X) results in a premature termination codon, predicted to cause a truncation of the encoded protein or absence of the protein due to nonsense mediated decay, which are commonly known mechanisms for disease. Truncations downstream of this position have been classified as pathogenic by our laboratory. The variant was absent in 249034 control chromosomes (gnomAD). To our knowledge, no occurrence of c.19519A>T in individuals affected with Nemaline Myopathy 2 and no experimental evidence demonstrating its impact on protein function have been reported. No clinical diagnostic laboratories have submitted clinical-significance assessments for this variant to ClinVar after 2014. Based on the evidence outlined above, the variant was classified as likely pathogenic.

Literature cited by the submitters: PubMed 25205138 (cited by Labcorp Genetics (formerly Invitae), Labcorp).

NM_001164508.2(NEB):c.19519A>T (p.Lys6507Ter)

Genes: NEB (nebulin; minus strand), LOC126806373 (BRD4-independent group 4 enhancer GRCh37_chr2:152410007-152411206; plus strand). Cytogenetic location: 2q23.3.
Variant type: single nucleotide variant.
Coding change: c.19519A>T on transcript NM_001164508.2 (MANE Select); coding-DNA position 19519, A replaced by T.
Protein change: p.Lys6507Ter; replaces lysine 6507 with a stop codon.
Molecular consequence: nonsense.
Genome position (GRCh38, 1-based): chr2:151,553,935, T>A on the plus strand (A>T on the coding strand, the complement: NEB is on the minus strand). VCF-style: chr2-151553935-T-A. GRCh37 (hg19) VCF-style: chr2-152410449-T-A.
Other names: c.19519A>T, p.Lys6507Ter (NM_001164507.2, NM_001271208.2); c.14416A>T, p.Lys4806Ter (NM_004543.5); short protein forms K4806*, K6507*.
Identifiers: ClinVar variation 2503969 (VCV002503969.6), dbSNP rs781090555, ClinGen allele CA1907620.